The following is an entry in ClinVar:

NM_021956.5(GRIK2):c.1060C>T (p.Arg354Cys)

Gene: GRIK2 (glutamate ionotropic receptor kainate type subunit 2; plus strand). Cytogenetic location: 6q16.3.
Variant type: single nucleotide variant.
Coding change: c.1060C>T on transcript NM_021956.5 (MANE Select); coding-DNA position 1060, C replaced by T.
Protein change: p.Arg354Cys; replaces arginine 354 with cysteine.
Molecular consequence: missense variant.
Genome position (GRCh38, 1-based): chr6:101,799,756, C>T. VCF-style: chr6-101799756-C-T. GRCh37 (hg19) VCF-style: chr6-102247631-C-T.
Other names: c.1060C>T, p.Arg354Cys (NM_001166247.1, NM_175768.3); short protein forms R354C.
Identifiers: ClinVar variation 2613455 (VCV002613455.2), dbSNP rs755777802, ClinGen allele CA3939485.
Genomic context (GRCh38, chr6:101,799,756, plus strand): 5'-GTTCAACAGTTTCCCCAGATGACAGTCAGTTCCTTGCAGTGTAATCGACATAAACCCTGG[C>T]GCTTCGGGACCCGCTTTATGAGTCTAATTAAAGAGGTAAGTTAGGAGAAGAACATCTGCC-3'
Protein context (NP_068775.1, residues 344-364): SLQCNRHKPW[Arg354Cys]FGTRFMSLIK

ClinVar aggregate classification (germline): Uncertain significance (1 of 4 stars; one submission).

Conditions:
Inborn genetic diseases. Identifiers: MedGen C0950123, MeSH D030342.

Allele frequency attached by ClinVar (database versions not stated): gnomAD exomes below 0.00001; ExAC 0.00001; gnomAD 0.00001.
gnomAD v4.1: 3 of 1,613,226 alleles (0.00019%); highest among the groups gnomAD compares: East Asian, 0.0022%; no homozygotes.

Submission:

Ambry Genetics
Classification: Uncertain significance for Inborn genetic diseases. Last evaluated: 2023-08-26. Review status: criteria provided, single submitter. Criteria: Ambry Variant Classification Scheme 2023. Collection method: clinical testing. Allele origin: germline.
Comment: The c.1060C>T (p.R354C) alteration is located in exon 7 (coding exon 7) of the GRIK2 gene. This alteration results from a C to T substitution at nucleotide position 1060, causing the arginine (R) at amino acid position 354 to be replaced by a cysteine (C). Based on data from gnomAD, the T allele has an overall frequency of <0.001% (1/251290) total alleles studied. The highest observed frequency was 0.005% (1/18382) of East Asian alleles. However, this alteration was flagged as a low confidence call in gnomAD. This amino acid position is highly conserved in available vertebrate species. The in silico prediction for this alteration is inconclusive. Based on insufficient or conflicting evidence, the clinical significance of this alteration remains unclear.